The following is an entry in ClinVar:

NM_025137.4(SPG11):c.824G>T (p.Ser275Ile)

Gene: SPG11 (SPG11 vesicle trafficking associated, spatacsin; minus strand). Cytogenetic location: 15q21.1.
Variant type: single nucleotide variant.
Coding change: c.824G>T on transcript NM_025137.4 (MANE Select); coding-DNA position 824, G replaced by T.
Protein change: p.Ser275Ile; replaces serine 275 with isoleucine.
Molecular consequence: missense variant.
Genome position (GRCh38, 1-based): chr15:44,657,140, C>A on the plus strand (G>T on the coding strand, the complement: SPG11 is on the minus strand). VCF-style: chr15-44657140-C-A. GRCh37 (hg19) VCF-style: chr15-44949338-C-A.
Other names: c.824G>T, p.Ser275Ile (NM_001160227.2); short protein forms S275I.
Identifiers: ClinVar variation 1304115 (VCV001304115.2), dbSNP rs769608648, ClinGen allele CA392237212.

ClinVar aggregate classification (germline): Uncertain significance (1 of 4 stars; one submission).

gnomAD v4.1: 2 of 1,614,134 alleles (0.00012%); highest among the groups gnomAD compares: South Asian, 0.0022%; no homozygotes.

Submission:

GeneDx
Classification: Uncertain significance. Last evaluated: 2018-08-30. Review status: criteria provided, single submitter. Criteria: GeneDx Variant Classification Process June 2021. Collection method: clinical testing. Allele origin: germline. Affected: yes.
Comment: Not observed in large population cohorts (Lek et al., 2016); In silico analysis, which includes protein predictors and evolutionary conservation, supports a deleterious effect; Has not been previously published as pathogenic or benign to our knowledge